The following is an entry in ClinVar:

NM_000059.4(BRCA2):c.4265A>T (p.Glu1422Val)

Gene: BRCA2 (BRCA2 DNA repair associated; plus strand). Cytogenetic location: 13q13.1.
Variant type: single nucleotide variant.
Coding change: c.4265A>T on transcript NM_000059.4 (MANE Select); coding-DNA position 4265, A replaced by T.
Protein change: p.Glu1422Val; replaces glutamic acid 1422 with valine.
Molecular consequence: missense variant.
Genome position (GRCh38, 1-based): chr13:32,338,620, A>T. VCF-style: chr13-32338620-A-T. GRCh37 (hg19) VCF-style: chr13-32912757-A-T.
Other names: short protein forms E1422V.
Identifiers: ClinVar variation 802931 (VCV000802931.3), dbSNP rs1593901855, ClinGen allele CA387780523.

ClinVar aggregate classification (germline): Conflicting classifications of pathogenicity. Review status: criteria provided, conflicting classifications (1 of 4 stars). 2 submissions from 2 submitters: Uncertain significance (1); Likely benign (1). Last evaluated 2023-03-23.

Conditions:
Hereditary cancer-predisposing syndrome. Also called: Hereditary Cancer Syndrome; Neoplastic Syndromes, Hereditary; Hereditary neoplastic syndrome; Tumor predisposition. Identifiers: Orphanet 140162, MedGen C0027672, MeSH D009386, MONDO:0015356.
Breast-ovarian cancer, familial, susceptibility to, 2 (BROVCA2). Also called: BRCA2 Hereditary Breast and Ovarian Cancer. Identifiers: Orphanet 145, MedGen C2675520, MONDO:0012933, OMIM 612555. Disease mechanism: loss of function.

Submissions (2):

University of Washington Department of Laboratory Medicine, University of Washington
Classification: Likely benign for Hereditary cancer-predisposing syndrome. Last evaluated: 2023-03-23. Review status: criteria provided, single submitter. Criteria: Dines et al. (Genet Med. 2020). Collection method: curation. Allele origin: germline.
Comment: Missense variant in a coldspot region where missense variants are very unlikely to be pathogenic (PMID:31911673).

BRCA2 exon 11 coldspot. Reclassification based on statistical prior probability.

Mendelics
Classification: Uncertain significance for Breast-ovarian cancer, familial, susceptibility to, 2. Last evaluated: 2019-05-28. Review status: criteria provided, single submitter. Criteria: Mendelics Assertion Criteria 2017. Collection method: clinical testing. Allele origin: unknown.